The following is an entry in ClinVar:

NM_000018.4(ACADVL):c.1361A>G (p.Asp454Gly)

Gene: ACADVL (acyl-CoA dehydrogenase very long chain; plus strand). Cytogenetic location: 17p13.1.
Variant type: single nucleotide variant.
Coding change: c.1361A>G on transcript NM_000018.4 (MANE Select); coding-DNA position 1361, A replaced by G.
Protein change: p.Asp454Gly; replaces aspartic acid 454 with glycine.
Molecular consequence: missense variant.
Genome position (GRCh38, 1-based): chr17:7,223,996, A>G. VCF-style: chr17-7223996-A-G. GRCh37 (hg19) VCF-style: chr17-7127315-A-G.
Other names: c.1295A>G, p.Asp432Gly (NM_001033859.3); c.1430A>G, p.Asp477Gly (NM_001270447.2); c.1133A>G, p.Asp378Gly (NM_001270448.2); short protein forms D378G, D432G, D454G, D477G.
Identifiers: ClinVar variation 4798197 (VCV004798197.1).

ClinVar aggregate classification (germline): Uncertain significance (1 of 4 stars; one submission).

Conditions:
Very long chain acyl-CoA dehydrogenase deficiency (ACADVLD). Also called: VLCAD Deficiency; Very Long-Chain Acyl-Coenzyme A Dehydrogenase Deficiency. Identifiers: Orphanet 26793, MedGen C3887523, MONDO:0008723, OMIM 201475.

Submission:

Labcorp Genetics (formerly Invitae), Labcorp
Classification: Uncertain significance for Very long chain acyl-CoA dehydrogenase deficiency. Last evaluated: 2025-03-11. Review status: criteria provided, single submitter. Criteria: Invitae Variant Classification Sherloc (09022015). Collection method: clinical testing. Allele origin: germline.
Comment: This sequence change replaces aspartic acid, which is acidic and polar, with glycine, which is neutral and non-polar, at codon 454 of the ACADVL protein (p.Asp454Gly). This variant is not present in population databases (gnomAD no frequency). This missense change has been observed in individual(s) with a positive newborn screening result for ACADVL-related disease (PMID: 37308883). Invitae Evidence Modeling of protein sequence and biophysical properties (such as structural, functional, and spatial information, amino acid conservation, physicochemical variation, residue mobility, and thermodynamic stability) indicates that this missense variant is expected to disrupt ACADVL protein function with a positive predictive value of 80%. In summary, the available evidence is currently insufficient to determine the role of this variant in disease. Therefore, it has been classified as a Variant of Uncertain Significance.

Literature cited by the submitters: PubMed 37308883.